The following is an entry in ClinVar:

ClinVar aggregate classification (germline): Uncertain significance (1 of 4 stars; one submission).

Submission:

CeGaT Center for Human Genetics Tuebingen
Classification: Uncertain significance. Last evaluated: 2026-02-01. Review status: criteria provided, single submitter. Criteria: CeGaT Center For Human Genetics Tuebingen Variant Classification Criteria Version 2. Collection method: clinical testing. Allele origin: germline. Affected: yes. Observed: 1 variant allele.
Comment: KCNN2: PM2

NM_021614.4(KCNN2):c.184G>C (p.Gly62Arg)

Gene: KCNN2 (potassium calcium-activated channel subfamily N member 2; plus strand). Cytogenetic location: 5q22.3.
Variant type: single nucleotide variant.
Coding change: c.184G>C on transcript NM_021614.4 (MANE Select); coding-DNA position 184, G replaced by C.
Protein change: p.Gly62Arg; replaces glycine 62 with arginine.
Molecular consequence: missense variant. On other transcripts: non-coding transcript variant (1).
Genome position (GRCh38, 1-based): chr5:114,362,323, G>C. VCF-style: chr5-114362323-G-C. GRCh37 (hg19) VCF-style: chr5-113698020-G-C.
Other names: c.382G>C, p.Gly128Arg (NM_001372233.1); short protein forms G128R, G62R.
Identifiers: ClinVar variation 4823405 (VCV004823405.4).
Genomic context (GRCh38, chr5:114,362,323, plus strand): 5'-GCGCCCCTCCCGCACCCTCACCACCACCCGCACCTCGCGCACCAGCAGCCGGCCAGCGGC[G>C]GCAGCAGCCCATGCCTCCGGTGCAACAGCTGCGCCTCCTCCGGTGCCCCGGCGGCGGGGG-3'
Protein context (NP_067627.3, residues 52-72): HLAHQQPASG[Gly62Arg]SSPCLRCNSC